The following is an entry in ClinVar:

NM_005120.3(MED12):c.6476A>C (p.Gln2159Pro)

Gene: MED12 (mediator complex subunit 12; plus strand). Cytogenetic location: Xq13.1.
Variant type: single nucleotide variant.
Coding change: c.6476A>C on transcript NM_005120.3 (MANE Select); coding-DNA position 6476, A replaced by C.
Protein change: p.Gln2159Pro; replaces glutamine 2159 with proline.
Molecular consequence: missense variant.
Genome position (GRCh38, 1-based): chrX:71,141,950, A>C. VCF-style: chrX-71141950-A-C. GRCh37 (hg19) VCF-style: chrX-70361800-A-C.
Other names: short protein forms Q2159P.
Identifiers: ClinVar variation 427070 (VCV000427070.5), dbSNP rs1085307941, ClinGen allele CA413544296.

ClinVar aggregate classification (germline): Likely pathogenic. Review status: criteria provided, single submitter (1 of 4 stars). 3 submissions from 3 submitters: Likely pathogenic (1). 2 of the submissions do not count toward it. Last evaluated 2018-02-19.

Conditions:
Blepharophimosis - intellectual disability syndrome, MKB type. Also called: X-Linked Ohdo Syndrome (XLOS); BLEPHAROPHIMOSIS-MENTAL RETARDATION SYNDROME, MAAT-KIEVIT-BRUNNER TYPE; Ohdo syndrome, X-linked. Identifiers: Orphanet 293707, MedGen C3698541, MONDO:0010477, OMIM 300895.
FG syndrome 1 (OKS). Also called: FG Syndrome Type 1 (FGS1); OPITZ-KAVEGGIA SYNDROME; KELLER SYNDROME; MENTAL RETARDATION, LARGE HEAD, IMPERFORATE ANUS, CONGENITAL HYPOTONIA, AND PARTIAL AGENESIS OF CORPUS CALLOSUM. Identifiers: Orphanet 93932, MedGen C5399762, MONDO:0010590, OMIM 305450.

Submissions (3):

GeneDx
Classification: Likely pathogenic. Last evaluated: 2018-02-19. Review status: criteria provided, single submitter. Criteria: GeneDx Variant Classification (06012015). Collection method: clinical testing. Allele origin: germline. Affected: yes.
Comment: The Q2159P variant in the MED12 gene has not been reported previously as a pathogenic variant, nor as a benign variant, to our knowledge. The Q2159P variant is not observed in large population cohorts (Lek et al., 2016). The Q2159P variant is a non-conservative amino acid substitution, which is likely to impact secondary protein structure as these residues differ in polarity, charge, size and/or other properties. In-silico analyses, including protein predictors and evolutionary conservation, support that this variant does not alter protein structure/function. However, the majority of missense variants in this gene are considered pathogenic (Stenson et al., 2014). We interpret Q2159P as a likely pathogenic variant.

OMIM
Classification: Pathogenic for OHDO SYNDROME, X-LINKED. Last evaluated: 2021-02-01. Review status: no assertion criteria provided. Collection method: literature only. Allele origin: germline. Not counted in ClinVar's aggregate classification.

GeneReviews
No classification provided. Condition: FG syndrome. Review status: no classification provided. Collection method: literature only. Allele origin: germline. Not counted in ClinVar's aggregate classification.
Comment: Reported in 3 male sibs with X-linked Ohdo syndrome

Literature cited by the submitters: PubMed 32715471 (cited by OMIM and GeneReviews); PubMed 20301719 (cited by GeneReviews).